The following is an entry in ClinVar:

NM_016156.6(MTMR2):c.804+2T>G

Gene: MTMR2 (myotubularin related protein 2; minus strand). Cytogenetic location: 11q21.
Variant type: single nucleotide variant.
Coding change: c.804+2T>G on transcript NM_016156.6 (MANE Select); the canonical splice donor site of the intron after coding-DNA position 804, T replaced by G.
Molecular consequence: splice donor variant.
Genome position (GRCh38, 1-based): chr11:95,850,598, A>C on the plus strand (T>G on the coding strand, the complement: MTMR2 is on the minus strand). VCF-style: chr11-95850598-A-C. GRCh37 (hg19) VCF-style: chr11-95583762-A-C.
Other names: c.588+2T>G (NM_201281.3, NM_201278.3, NM_001243571.2).
Identifiers: ClinVar variation 543327 (VCV000543327.8), dbSNP rs1555061026, ClinGen allele CA382425665.
Genomic context (GRCh38, chr11:95,850,598, plus strand): 5'-AATCTCAGCATTATGTTGAGTAAAAAAGCACTTGCAAAGGCTCATCCAAACTTCCTACTT[A>C]CTGGGATACGGCCTCTTGATCTGAAGGATGCCACTCTCTTTAATTCTTCATCAGGAATAT-3'

ClinVar aggregate classification (germline): Likely pathogenic. Review status: criteria provided, multiple submitters, no conflicts (2 of 4 stars). 2 submissions from 2 submitters: Likely pathogenic (2). Last evaluated 2024-05-25.

Conditions:
Charcot-Marie-Tooth disease type 4. Also called: Charcot-Marie-Tooth, Type 4; Charcot-Marie-Tooth disease, type IV. Identifiers: Orphanet 64749, MedGen C4082197, MONDO:0018995.
Charcot-Marie-Tooth disease type 4B1. Also called: CHARCOT-MARIE-TOOTH DISEASE, AUTOSOMAL RECESSIVE, WITH FOCALLY FOLDED MYELIN SHEATHS, AUTOSOMAL RECESSIVE, TYPE 4B1; CHARCOT-MARIE-TOOTH DISEASE, TYPE 4B; Charcot-Marie-Tooth Neuropathy Type 4B1; CHARCOT-MARIE-TOOTH DISEASE, DEMYELINATING, TYPE 4B1. Identifiers: Orphanet 99955, MedGen C1832399, MONDO:0011066, OMIM 601382.

Allele frequency attached by ClinVar (database versions not stated): gnomAD exomes 0.00002.
gnomAD v4.1: 17 of 1,614,012 alleles (0.0011%); highest among the groups gnomAD compares: Non-Finnish European, 0.0014%; no homozygotes.

Submissions (2):

Fulgent Genetics
Classification: Likely pathogenic for Charcot-Marie-Tooth disease type 4B1. Last evaluated: 2024-05-25. Review status: criteria provided, single submitter. Criteria: ACMG Guidelines, 2015. Collection method: clinical testing. Allele origin: germline.

Labcorp Genetics (formerly Invitae), Labcorp
Classification: Likely pathogenic for Charcot-Marie-Tooth disease type 4. Last evaluated: 2023-12-11. Review status: criteria provided, single submitter. Criteria: Invitae Variant Classification Sherloc (09022015). Collection method: clinical testing. Allele origin: germline.
Comment: This sequence change affects a donor splice site in intron 8 of the MTMR2 gene. It is expected to disrupt RNA splicing. Variants that disrupt the donor or acceptor splice site typically lead to a loss of protein function (PMID: 16199547), and loss-of-function variants in MTMR2 are known to be pathogenic (PMID: 10802647). This variant is not present in population databases (gnomAD no frequency). This variant has not been reported in the literature in individuals affected with MTMR2-related conditions. ClinVar contains an entry for this variant (Variation ID: 543327). Algorithms developed to predict the effect of sequence changes on RNA splicing suggest that this variant may disrupt the consensus splice site. In summary, the currently available evidence indicates that the variant is pathogenic, but additional data are needed to prove that conclusively. Therefore, this variant has been classified as Likely Pathogenic.

Literature cited by the submitters: PubMed 16199547 (cited by Labcorp Genetics (formerly Invitae), Labcorp); PubMed 10802647 (cited by Labcorp Genetics (formerly Invitae), Labcorp).